The following is an entry in ClinVar:

NM_130811.4(SNAP25):c.281A>G (p.Lys94Arg)

Gene: SNAP25 (synaptosome associated protein 25; plus strand). Cytogenetic location: 20p12.2.
Variant type: single nucleotide variant.
Coding change: c.281A>G on transcript NM_130811.4 (MANE Select); coding-DNA position 281, A replaced by G.
Protein change: p.Lys94Arg; replaces lysine 94 with arginine.
Molecular consequence: missense variant. On other transcripts: intron variant (2).
Genome position (GRCh38, 1-based): chr20:10,293,278, A>G. VCF-style: chr20-10293278-A-G. GRCh37 (hg19) VCF-style: chr20-10273926-A-G.
Other names: c.281A>G, p.Lys94Arg (NM_001322903.2, NM_001322904.2, NM_001322905.2 and 5 more transcripts); c.281+279A>G (NM_003081.5, NM_001322902.2); short protein forms K94R.
Identifiers: ClinVar variation 1513140 (VCV001513140.8), dbSNP rs2123120986, ClinGen allele CA408266131.

ClinVar aggregate classification (germline): Uncertain significance (1 of 4 stars; one submission).

Conditions:
Congenital myasthenic syndrome 18. Also called: MYASTHENIC SYNDROME, CONGENITAL, 18, WITH INTELLECTUAL DISABILITY AND ATAXIA. Identifiers: Orphanet 590, MedGen C4225364, MONDO:0014590, OMIM 616330.

Submission:

Labcorp Genetics (formerly Invitae), Labcorp
Classification: Uncertain significance for Congenital myasthenic syndrome 18. Last evaluated: 2024-02-16. Review status: criteria provided, single submitter. Criteria: Invitae Variant Classification Sherloc (09022015). Collection method: clinical testing. Allele origin: germline.
Comment: This sequence change replaces lysine, which is basic and polar, with arginine, which is basic and polar, at codon 94 of the SNAP25 protein (p.Lys94Arg). This variant is not present in population databases (gnomAD no frequency). This variant has not been reported in the literature in individuals affected with SNAP25-related conditions. ClinVar contains an entry for this variant (Variation ID: 1513140). An algorithm developed to predict the effect of missense changes on protein structure and function (PolyPhen-2) suggests that this variant is likely to be tolerated. In summary, the available evidence is currently insufficient to determine the role of this variant in disease. Therefore, it has been classified as a Variant of Uncertain Significance.